The following is an entry in ClinVar:

ClinVar aggregate classification (germline): Uncertain significance. Review status: criteria provided, multiple submitters, no conflicts (2 of 4 stars). 2 submissions from 2 submitters: Uncertain significance (2). Last evaluated 2026-02-17.

Conditions:
Dilated cardiomyopathy 1G (CMD1G). Identifiers: Orphanet 154, MedGen C1858763, MONDO:0011400, OMIM 604145.
Autosomal recessive limb-girdle muscular dystrophy type 2J (LGMDR10). Also called: Limb-girdle muscular dystrophy, type 2J; MUSCULAR DYSTROPHY, LIMB-GIRDLE, AUTOSOMAL RECESSIVE 10. Identifiers: Orphanet 140922, MedGen C1837342, MONDO:0012127, OMIM 608807.

Submissions (2):

GeneDx
Classification: Uncertain significance. Last evaluated: 2026-02-17. Review status: criteria provided, single submitter. Criteria: GeneDx Variant Classification Process June 2021. Collection method: clinical testing. Allele origin: germline.
Comment: Not observed at significant frequency in large population cohorts (gnomAD); In-frame variant in a gene for which most reported pathogenic variants are truncating/loss of function; Has not been previously published as pathogenic or benign to our knowledge

Labcorp Genetics (formerly Invitae), Labcorp
Classification: Uncertain significance for Dilated cardiomyopathy 1G; Autosomal recessive limb-girdle muscular dystrophy type 2J. Last evaluated: 2022-10-10. Review status: criteria provided, single submitter. Criteria: Invitae Variant Classification Sherloc (09022015). Collection method: clinical testing. Allele origin: germline.
Comment: This variant is located in the M band of TTN (PMID: 25589632). Variants in this region may be relevant for neuromuscular disorders, but have not been definitively shown to cause cardiomyopathy (PMID: 23975875). This variant, c.104929_104931del, results in the deletion of 1 amino acid(s) of the TTN protein (p.His34977del), but otherwise preserves the integrity of the reading frame. This variant is not present in population databases (gnomAD no frequency). This variant has not been reported in the literature in individuals affected with TTN-related conditions. ClinVar contains an entry for this variant (Variation ID: 999932). Experimental studies and prediction algorithms are not available or were not evaluated, and the functional significance of this variant is currently unknown. In summary, the available evidence is currently insufficient to determine the role of this variant in disease. Therefore, it has been classified as a Variant of Uncertain Significance.

Literature cited by the submitters: PubMed 25589632 (cited by Labcorp Genetics (formerly Invitae), Labcorp); PubMed 23975875 (cited by Labcorp Genetics (formerly Invitae), Labcorp).

NM_001267550.2(TTN):c.104929_104931del (p.His34977del)

Genes: TTN (titin; minus strand), TTN-AS1 (TTN antisense RNA 1; plus strand). Cytogenetic location: 2q31.2.
Variant type: Deletion.
Coding change: c.104929_104931del on transcript NM_001267550.2 (MANE Select); coding-DNA positions 104929 to 104931, 3 bases deleted (CAC; older notation c.104929_104931delCAC).
Protein change: p.His34977del; deletes histidine 34977.
Molecular consequence: inframe deletion.
Genome position (GRCh38, 1-based): chr2:178,531,684-178,531,686, GTG deleted on the plus strand (CAC on the coding strand, the reverse complement: TTN is on the minus strand); deleting any 3 consecutive bases within chr2:178,531,684-178,531,688 gives the same sequence; the c. name uses the placement nearest the transcript's 3' end. VCF-style (leftmost placement, unchanged base first): chr2-178531683-TGTG-T. GRCh37 (hg19) VCF-style: chr2-179396410-TGTG-T.
Other names: c.104929_104931del (NM_001267550.1); c.100006_100008del, p.His33336del (NM_001256850.1); c.77734_77736del, p.His25912del (NM_003319.4); c.97225_97227del, p.His32409del (NM_133378.4); c.78109_78111del, p.His26037del (NM_133432.3); c.78310_78312del, p.His26104del (NM_133437.4); short protein forms H25912del, H26037del, H26104del, H32409del, H33336del, H34977del.
Identifiers: ClinVar variation 999932 (VCV000999932.8), dbSNP rs1689167981, ClinGen allele CA1310517883.
Genomic context (GRCh38, chr2:178,531,683, plus strand): 5'-TGAGGACTCCACTCGTGTTGGTGTAATGAATCTTACTGCTTTCTTGGAGTTCCACACCAT[TGTG>T]GTACCATTTAACCTCGGCAGTTGGCTTAGACTGAACATTTAAAATAAAACGTGTATTTTG-3'